The following is an entry in ClinVar:

NM_001244710.2(GFPT1):c.982C>T (p.Gln328Ter)

Gene: GFPT1 (glutamine--fructose-6-phosphate transaminase 1; minus strand). Cytogenetic location: 2p13.3.
Variant type: single nucleotide variant.
Coding change: c.982C>T on transcript NM_001244710.2 (MANE Select); coding-DNA position 982, C replaced by T.
Protein change: p.Gln328Ter; replaces glutamine 328 with a stop codon.
Molecular consequence: nonsense.
Genome position (GRCh38, 1-based): chr2:69,348,198, G>A on the plus strand (C>T on the coding strand, the complement: GFPT1 is on the minus strand). VCF-style: chr2-69348198-G-A. GRCh37 (hg19) VCF-style: chr2-69575330-G-A.
Other names: c.928C>T, p.Gln310Ter (NM_002056.4); short protein forms Q310*, Q328*.
Identifiers: ClinVar variation 570975 (VCV000570975.6), dbSNP rs1558749457, ClinGen allele CA347127673.

ClinVar aggregate classification (germline): Pathogenic (1 of 4 stars; one submission).

Conditions:
Congenital myasthenic syndrome 12 (CMS12). Also called: Myasthenia, congenital, 12, with tubular aggregates; MYASTHENIC SYNDROME, CONGENITAL, WITH TUBULAR AGGREGATES 1. Identifiers: Orphanet 353327, Orphanet 590, MedGen C3552335, MONDO:0012518, OMIM 610542.

Submission:

Labcorp Genetics (formerly Invitae), Labcorp
Classification: Pathogenic for Congenital myasthenic syndrome 12. Last evaluated: 2018-04-28. Review status: criteria provided, single submitter. Criteria: Invitae Variant Classification Sherloc (09022015). Collection method: clinical testing. Allele origin: germline.
Comment: This sequence change creates a premature translational stop signal (p.Gln310*) in the GFPT1 gene. It is expected to result in an absent or disrupted protein product. For these reasons, this variant has been classified as Pathogenic. Loss-of-function variants in GFPT1 are known to be pathogenic (PMID: 23794683). This variant has not been reported in the literature in individuals with GFPT1-related disease. This variant is not present in population databases (ExAC no frequency).

Literature cited by the submitters: PubMed 23794683.